The following is an entry in ClinVar:

NM_001127898.4(CLCN5):c.1274A>G (p.Tyr425Cys)

Gene: CLCN5 (Cl-/H+ antiporter 5; plus strand). Cytogenetic location: Xp11.23.
Variant type: single nucleotide variant.
Coding change: c.1274A>G on transcript NM_001127898.4 (MANE Select); coding-DNA position 1274, A replaced by G.
Protein change: p.Tyr425Cys; replaces tyrosine 425 with cysteine.
Molecular consequence: missense variant.
Genome position (GRCh38, 1-based): chrX:50,086,587, A>G. VCF-style: chrX-50086587-A-G. GRCh37 (hg19) VCF-style: chrX-49851244-A-G.
Other names: c.1064A>G, p.Tyr355Cys (NM_000084.5); c.1274A>G, p.Tyr425Cys (NM_001127899.4); c.1124A>G, p.Tyr375Cys (NM_001282163.2); short protein forms Y375C, Y355C, Y425C.
Identifiers: ClinVar variation 2810922 (VCV002810922.3), dbSNP rs782435783, ClinGen allele CA10413856.
Genomic context (GRCh38, chrX:50,086,587, plus strand): 5'-TGTTTATCCGCACAAACATTGCCTGGTGTCGGAAGCGAAAGACCACCCAGTTGGGCAAGT[A>G]TCCTGTTATAGAGGTACTCGTCGTGACAGCCATCACTGCCATCCTGGCTTTCCCCAATGA-3'
Protein context (NP_001121370.1, residues 415-435): RKRKTTQLGK[Tyr425Cys]PVIEVLVVTA

ClinVar aggregate classification (germline): Uncertain significance (1 of 4 stars; one submission).

Allele frequency attached by ClinVar (database versions not stated): gnomAD 0.00001; ExAC 0.00001.
gnomAD v4.1: 1 of 1,208,661 alleles (0.000083%); highest among the groups gnomAD compares: Non-Finnish European, 0.00011%; no homozygotes.

Submission:

Labcorp Genetics (formerly Invitae), Labcorp
Classification: Uncertain significance. Last evaluated: 2025-05-11. Review status: criteria provided, single submitter. Criteria: Invitae Variant Classification Sherloc (09022015). Collection method: clinical testing. Allele origin: germline.
Comment: This sequence change replaces tyrosine, which is neutral and polar, with cysteine, which is neutral and slightly polar, at codon 355 of the CLCN5 protein (p.Tyr355Cys). This variant is present in population databases (rs782435783, gnomAD 0.002%). This variant has not been reported in the literature in individuals affected with CLCN5-related conditions. ClinVar contains an entry for this variant (Variation ID: 2810922). Invitae Evidence Modeling of protein sequence and biophysical properties (such as structural, functional, and spatial information, amino acid conservation, physicochemical variation, residue mobility, and thermodynamic stability) indicates that this missense variant is not expected to disrupt CLCN5 protein function with a negative predictive value of 80%. In summary, the available evidence is currently insufficient to determine the role of this variant in disease. Therefore, it has been classified as a Variant of Uncertain Significance.